The following is an entry in ClinVar:

NM_006277.3(ITSN2):c.152A>G (p.Gln51Arg)

Gene: ITSN2 (intersectin 2; minus strand). Cytogenetic location: 2p23.3.
Variant type: single nucleotide variant.
Coding change: c.152A>G on transcript NM_006277.3 (MANE Select); coding-DNA position 152, A replaced by G.
Protein change: p.Gln51Arg; replaces glutamine 51 with arginine.
Molecular consequence: missense variant.
Genome position (GRCh38, 1-based): chr2:24,313,496, T>C on the plus strand (A>G on the coding strand, the complement: ITSN2 is on the minus strand). VCF-style: chr2-24313496-T-C. GRCh37 (hg19) VCF-style: chr2-24536365-T-C.
Other names: c.110A>G, p.Gln37Arg (NM_001348181.2, NM_001348184.2); c.152A>G, p.Gln51Arg (NM_001348182.2, NM_001348183.2, NM_001348185.2 and 3 more transcripts); short protein forms Q37R, Q51R.
Identifiers: ClinVar variation 4763519 (VCV004763519.1).
Genomic context (GRCh38, chr2:24,313,496, plus strand): 5'-AGGTTCATCTACAAAACACTTTACCATATTTCAGCTAAAACAGGGGCCGGCAGACCTGAT[T>C]GTAGGAAAAAATTACGTGCTTGATCACCTGGAGGTAATAAAAACAAAACCCAAGCAGCAC-3'
Protein context (NP_006268.2, residues 41-61): TGDQARNFFL[Gln51Arg]SGLPAPVLAE

ClinVar aggregate classification (germline): Uncertain significance (1 of 4 stars; one submission).

gnomAD v4.1: 2 of 1,613,380 alleles (0.00012%); highest among the groups gnomAD compares: Admixed American, 0.0033%; no homozygotes.

Submission:

Labcorp Genetics (formerly Invitae), Labcorp
Classification: Uncertain significance. Last evaluated: 2025-10-19. Review status: criteria provided, single submitter. Criteria: Invitae Variant Classification Sherloc (09022015). Collection method: clinical testing. Allele origin: germline.
Comment: This sequence change replaces glutamine, which is neutral and polar, with arginine, which is basic and polar, at codon 51 of the ITSN2 protein (p.Gln51Arg). This variant is not present in population databases (gnomAD no frequency). This variant has not been reported in the literature in individuals affected with ITSN2-related conditions. An algorithm developed to predict the effect of missense changes on protein structure and function (PolyPhen-2) suggests that this variant is likely to be disruptive. In summary, the available evidence is currently insufficient to determine the role of this variant in disease. Therefore, it has been classified as a Variant of Uncertain Significance.